The following is an entry in ClinVar:

ClinVar aggregate classification (germline): Uncertain significance. Review status: criteria provided, multiple submitters, no conflicts (2 of 4 stars). 2 submissions from 2 submitters: Uncertain significance (2). Last evaluated 2022-01-15.

Conditions:
Ataxia-telangiectasia syndrome (AT). Also called: ATAXIA-TELANGIECTASIA, FRESNO VARIANT; Ataxia-telangiectasia, complementation group E; ATAXIA-TELANGIECTASIA, COMPLEMENTATION GROUP A; LOUIS-BAR SYNDROME; Ataxia-telangiectasia, complementation group D; AT, COMPLEMENTATION GROUP C. Identifiers: Orphanet 100, MedGen C0004135, MONDO:0008840, OMIM 208900.
Hereditary cancer-predisposing syndrome. Also called: Hereditary Cancer Syndrome; Tumor predisposition; Hereditary neoplastic syndrome; Neoplastic Syndromes, Hereditary. Identifiers: Orphanet 140162, MedGen C0027672, MeSH D009386, MONDO:0015356.

Submissions (2):

Ambry Genetics
Classification: Uncertain significance for Hereditary cancer-predisposing syndrome. Last evaluated: 2022-01-15. Review status: criteria provided, single submitter. Criteria: Ambry Variant Classification Scheme 2023. Collection method: clinical testing. Allele origin: germline.
Comment: The p.D1836H variant (also known as c.5506G>C), located in coding exon 36 of the ATM gene, results from a G to C substitution at nucleotide position 5506. The aspartic acid at codon 1836 is replaced by histidine, an amino acid with similar properties. This amino acid position is conserved. In addition, this alteration is predicted to be deleterious by in silico analysis. Since supporting evidence is limited at this time, the clinical significance of this alteration remains unclear.

Labcorp Genetics (formerly Invitae), Labcorp
Classification: Uncertain significance for Ataxia-telangiectasia syndrome. Last evaluated: 2021-08-13. Review status: criteria provided, single submitter. Criteria: Invitae Variant Classification Sherloc (09022015). Collection method: clinical testing. Allele origin: germline.
Comment: This sequence change replaces aspartic acid with histidine at codon 1836 of the ATM protein (p.Asp1836His). The aspartic acid residue is highly conserved and there is a moderate physicochemical difference between aspartic acid and histidine. This variant is not present in population databases (ExAC no frequency). This variant has not been reported in the literature in individuals affected with ATM-related conditions. Algorithms developed to predict the effect of missense changes on protein structure and function are either unavailable or do not agree on the potential impact of this missense change (SIFT: "Deleterious"; PolyPhen-2: "Possibly Damaging"; Align-GVGD: "Class C0"). In summary, the available evidence is currently insufficient to determine the role of this variant in disease. Therefore, it has been classified as a Variant of Uncertain Significance.

NM_000051.4(ATM):c.5506G>C (p.Asp1836His)

Gene: ATM (ATM serine/threonine kinase; plus strand). Cytogenetic location: 11q22.3.
Variant type: single nucleotide variant.
Coding change: c.5506G>C on transcript NM_000051.4 (MANE Select); coding-DNA position 5506, G replaced by C.
Protein change: p.Asp1836His; replaces aspartic acid 1836 with histidine.
Molecular consequence: missense variant.
Genome position (GRCh38, 1-based): chr11:108,304,684, G>C. VCF-style: chr11-108304684-G-C. GRCh37 (hg19) VCF-style: chr11-108175411-G-C.
Other names: c.5506G>C, p.Asp1836His (NM_001351834.2); short protein forms D1836H.
Identifiers: ClinVar variation 1051575 (VCV001051575.8), dbSNP rs2135942560, ClinGen allele CA382545691.